The following is an entry in ClinVar:

NM_024529.5(CDC73):c.1208C>T (p.Thr403Ile)

Gene: CDC73 (cell division cycle 73; plus strand). Cytogenetic location: 1q31.2.
Variant type: single nucleotide variant.
Coding change: c.1208C>T on transcript NM_024529.5 (MANE Select); coding-DNA position 1208, C replaced by T.
Protein change: p.Thr403Ile; replaces threonine 403 with isoleucine.
Molecular consequence: missense variant.
Genome position (GRCh38, 1-based): chr1:193,233,046, C>T. VCF-style: chr1-193233046-C-T. GRCh37 (hg19) VCF-style: chr1-193202176-C-T.
Other names: c.1208C>T (NM_024529.4); short protein forms T403I.
Identifiers: ClinVar variation 1002832 (VCV001002832.12), dbSNP rs1677688538, ClinGen allele CA344077831.
Genomic context (GRCh38, chr1:193,233,046, plus strand): 5'-TTCAAAGATTTGTCCCATCAGATGAAAAGAAGAAACAAGGTTGTCAACGAGAAAATGAAA[C>T]TCTAATACAAAGAAGAAAAGACCAGATGCAACCAGGGGGCACTGCAATTAGTGTTACAGT-3'
Protein context (NP_078805.3, residues 393-413): KKQGCQRENE[Thr403Ile]LIQRRKDQMQ

ClinVar aggregate classification (germline): Uncertain significance. Review status: criteria provided, multiple submitters, no conflicts (2 of 4 stars). 2 submissions from 2 submitters: Uncertain significance (2). Last evaluated 2025-11-19.

Conditions:
Hereditary cancer-predisposing syndrome. Also called: Hereditary neoplastic syndrome; Neoplastic Syndromes, Hereditary; Tumor predisposition; Hereditary Cancer Syndrome. Identifiers: Orphanet 140162, MedGen C0027672, MeSH D009386, MONDO:0015356.
Parathyroid carcinoma (PRTC). Also called: Parathyroid gland carcinoma; CDC73-Related Parathyroid Carcinoma. Identifiers: Orphanet 143, MedGen C0687150, MONDO:0012004, OMIM 608266, HP:0006780.

Submissions (2):

Ambry Genetics
Classification: Uncertain significance for Hereditary cancer-predisposing syndrome. Last evaluated: 2025-11-19. Review status: criteria provided, single submitter. Criteria: Ambry Variant Classification Scheme 2023. Collection method: clinical testing. Allele origin: germline.
Comment: The p.T403I variant (also known as c.1208C>T), located in coding exon 14 of the CDC73 gene, results from a C to T substitution at nucleotide position 1208. The threonine at codon 403 is replaced by isoleucine, an amino acid with similar properties. This amino acid position is conserved. In addition, this alteration is predicted to be tolerated by in silico analysis. Based on the available evidence, the clinical significance of this variant remains unclear.

Labcorp Genetics (formerly Invitae), Labcorp
Classification: Uncertain significance for Parathyroid carcinoma. Last evaluated: 2025-02-12. Review status: criteria provided, single submitter. Criteria: Invitae Variant Classification Sherloc (09022015). Collection method: clinical testing. Allele origin: germline.
Comment: This sequence change replaces threonine, which is neutral and polar, with isoleucine, which is neutral and non-polar, at codon 403 of the CDC73 protein (p.Thr403Ile). This variant is not present in population databases (gnomAD no frequency). This variant has not been reported in the literature in individuals affected with CDC73-related conditions. ClinVar contains an entry for this variant (Variation ID: 1002832). Invitae Evidence Modeling of protein sequence and biophysical properties (such as structural, functional, and spatial information, amino acid conservation, physicochemical variation, residue mobility, and thermodynamic stability) indicates that this missense variant is not expected to disrupt CDC73 protein function with a negative predictive value of 80%. In summary, the available evidence is currently insufficient to determine the role of this variant in disease. Therefore, it has been classified as a Variant of Uncertain Significance.